The following is an entry in ClinVar:

NM_004100.5(EYA4):c.263C>T (p.Pro88Leu)

Gene: EYA4 (EYA transcriptional coactivator and phosphatase 4; plus strand). Cytogenetic location: 6q23.2.
Variant type: single nucleotide variant.
Coding change: c.263C>T on transcript NM_004100.5 (MANE Select); coding-DNA position 263, C replaced by T.
Protein change: p.Pro88Leu; replaces proline 88 with leucine.
Molecular consequence: missense variant. On other transcripts: intron variant (4).
Genome position (GRCh38, 1-based): chr6:133,448,165, C>T. VCF-style: chr6-133448165-C-T. GRCh37 (hg19) VCF-style: chr6-133769303-C-T.
Other names: c.263C>T (NM_004100.4); c.263C>T, p.Pro88Leu (NM_001301013.2, NM_172105.4); c.208+1411C>T (NM_001370458.1, NM_172103.4, NM_001370459.1 and 1 more transcripts); short protein forms P88L.
Identifiers: ClinVar variation 2045319 (VCV002045319.5), dbSNP rs727503050, ClinGen allele CA365838298.

ClinVar aggregate classification (germline): Uncertain significance. Review status: criteria provided, multiple submitters, no conflicts (2 of 4 stars). 2 submissions from 2 submitters: Uncertain significance (2). Last evaluated 2025-06-17.

Conditions:
Dilated cardiomyopathy 1J (CMD1J). Also called: CARDIOMYOPATHY, DILATED, WITH SENSORINEURAL HEARING LOSS, AUTOSOMAL DOMINANT. Identifiers: Orphanet 217622, MedGen C1854368, MONDO:0011541, OMIM 605362.

gnomAD v4.1: 2 of 1,613,052 alleles (0.00012%); highest among the groups gnomAD compares: Non-Finnish European, 0.00017%; no homozygotes.

Submissions (2):

GeneDx
Classification: Uncertain significance. Last evaluated: 2025-06-17. Review status: criteria provided, single submitter. Criteria: GeneDx Variant Classification Process June 2021. Collection method: clinical testing. Allele origin: germline. Affected: yes.
Comment: Not observed at significant frequency in large population cohorts (gnomAD); In silico analysis suggests that this missense variant does not alter protein structure/function; Has not been previously published as pathogenic or benign to our knowledge

Labcorp Genetics (formerly Invitae), Labcorp
Classification: Uncertain significance for Dilated cardiomyopathy 1J. Last evaluated: 2022-02-25. Review status: criteria provided, single submitter. Criteria: Invitae Variant Classification Sherloc (09022015). Collection method: clinical testing. Allele origin: germline.
Comment: This variant is not present in population databases (gnomAD no frequency). This sequence change replaces proline, which is neutral and non-polar, with leucine, which is neutral and non-polar, at codon 88 of the EYA4 protein (p.Pro88Leu). This variant has not been reported in the literature in individuals affected with EYA4-related conditions. Algorithms developed to predict the effect of missense changes on protein structure and function are either unavailable or do not agree on the potential impact of this missense change (SIFT: "Tolerated"; PolyPhen-2: "Probably Damaging"; Align-GVGD: "Class C0"). In summary, the available evidence is currently insufficient to determine the role of this variant in disease. Therefore, it has been classified as a Variant of Uncertain Significance.